The following is an entry in ClinVar:

NM_006939.4(SOS2):c.3463T>A (p.Phe1155Ile)

Gene: SOS2 (SOS Ras/Rho guanine nucleotide exchange factor 2; minus strand). Cytogenetic location: 14q21.3.
Variant type: single nucleotide variant.
Coding change: c.3463T>A on transcript NM_006939.4 (MANE Select); coding-DNA position 3463, T replaced by A.
Protein change: p.Phe1155Ile; replaces phenylalanine 1155 with isoleucine.
Molecular consequence: missense variant.
Genome position (GRCh38, 1-based): chr14:50,120,301, A>T on the plus strand (T>A on the coding strand, the complement: SOS2 is on the minus strand). VCF-style: chr14-50120301-A-T. GRCh37 (hg19) VCF-style: chr14-50587019-A-T.
Other names: c.3364T>A, p.Phe1122Ile (NM_001411020.1); short protein forms F1122I, F1155I.
Identifiers: ClinVar variation 2844114 (VCV002844114.4), dbSNP rs2502768214, ClinGen allele CA389639082.

ClinVar aggregate classification (germline): Uncertain significance. Review status: criteria provided, multiple submitters, no conflicts (2 of 4 stars). 2 submissions from 2 submitters: Uncertain significance (2). Last evaluated 2024-01-09.

Conditions:
Cardiovascular phenotype. Identifiers: MedGen CN230736.
Noonan syndrome 9 (NS9). Identifiers: Orphanet 648, MedGen C4225282, MONDO:0014691, OMIM 616559.

Submissions (2):

Ambry Genetics
Classification: Uncertain significance for Cardiovascular phenotype. Last evaluated: 2024-01-09. Review status: criteria provided, single submitter. Criteria: Ambry Variant Classification Scheme 2023. Collection method: clinical testing. Allele origin: germline.

Labcorp Genetics (formerly Invitae), Labcorp
Classification: Uncertain significance for Noonan syndrome 9. Last evaluated: 2023-09-05. Review status: criteria provided, single submitter. Criteria: Invitae Variant Classification Sherloc (09022015). Collection method: clinical testing. Allele origin: germline.
Comment: Advanced modeling of protein sequence and biophysical properties (such as structural, functional, and spatial information, amino acid conservation, physicochemical variation, residue mobility, and thermodynamic stability) performed at Invitae indicates that this missense variant is not expected to disrupt SOS2 protein function. In summary, the available evidence is currently insufficient to determine the role of this variant in disease. Therefore, it has been classified as a Variant of Uncertain Significance. This sequence change replaces phenylalanine, which is neutral and non-polar, with isoleucine, which is neutral and non-polar, at codon 1155 of the SOS2 protein (p.Phe1155Ile). This variant is not present in population databases (gnomAD no frequency). This variant has not been reported in the literature in individuals affected with SOS2-related conditions.